The following is an entry in ClinVar:

NM_000179.3(MSH6):c.2289T>C (p.Asp763=)

Gene: MSH6 (mutS homolog 6; plus strand). Cytogenetic location: 2p16.3.
Variant type: single nucleotide variant.
Coding change: c.2289T>C on transcript NM_000179.3 (MANE Select); coding-DNA position 2289, T replaced by C.
Protein change: p.Asp763=; no amino-acid change (aspartic acid 763 retained).
Molecular consequence: synonymous variant.
Genome position (GRCh38, 1-based): chr2:47,800,272, T>C. VCF-style: chr2-47800272-T-C. GRCh37 (hg19) VCF-style: chr2-48027411-T-C.
Other names: c.1899T>C, p.Asp633= (NM_001281492.2); c.1383T>C, p.Asp461= (NM_001281493.2, NM_001281494.2).
Identifiers: ClinVar variation 416163 (VCV000416163.24), dbSNP rs137946937, ClinGen allele CA068749.

ClinVar aggregate classification (germline): Benign/Likely benign. Review status: criteria provided, multiple submitters, no conflicts (2 of 4 stars). 9 submissions from 9 submitters: Benign (1); Likely benign (8). Last evaluated 2026-06-01.

Conditions:
Hereditary nonpolyposis colorectal neoplasms. Identifiers: MedGen C0009405, MeSH D003123.
Hereditary cancer-predisposing syndrome. Also called: Tumor predisposition; Hereditary neoplastic syndrome; Hereditary Cancer Syndrome; Neoplastic Syndromes, Hereditary. Identifiers: Orphanet 140162, MedGen C0027672, MeSH D009386, MONDO:0015356.
Lynch syndrome. Identifiers: Orphanet 144, MedGen C4552100, MONDO:0005835. Disease mechanism: loss of function.
Lynch syndrome 5 (LYNCH5). Also called: Hereditary non-polyposis colorectal cancer, type 5; Colorectal cancer, hereditary nonpolyposis, type 5. Identifiers: Orphanet 144, MedGen C1833477, MONDO:0013710, OMIM 614350. Disease mechanism: loss of function.

Allele frequency attached by ClinVar (database versions not stated): gnomAD exomes below 0.00001 and 0.00002; ExAC 0.00002; TOPMed 0.00002; gnomAD 0.00005 and 0.00006; ESP Exome Variant Server 0.00015.
gnomAD v4.1: 14 of 1,614,078 alleles (0.00087%); highest among the groups gnomAD compares: African/African-American, 0.017%; no homozygotes.

Submissions (9):

CeGaT Center for Human Genetics Tuebingen
Classification: Likely benign. Last evaluated: 2026-06-01. Review status: criteria provided, single submitter. Criteria: CeGaT Center For Human Genetics Tuebingen Variant Classification Criteria Version 2. Collection method: clinical testing. Allele origin: germline. Affected: yes. Observed: 1 variant allele.
Comment: MSH6: BP4, BP7

Women's Health and Genetics/Laboratory Corporation of America, LabCorp
Classification: Likely benign. Last evaluated: 2026-05-08. Review status: criteria provided, single submitter. Criteria: LabCorp Variant Classification Summary - May 2015. Collection method: clinical testing. Allele origin: germline.

Labcorp Genetics (formerly Invitae), Labcorp
Classification: Likely benign for Hereditary nonpolyposis colorectal neoplasms. Last evaluated: 2025-11-07. Review status: criteria provided, single submitter. Criteria: Invitae Variant Classification Sherloc (09022015). Collection method: clinical testing. Allele origin: germline.

Myriad Genetics, Inc.
Classification: Benign for Lynch syndrome 5. Last evaluated: 2024-12-30. Review status: criteria provided, single submitter. Criteria: Myriad Autosomal Dominant, Autosomal Recessive and X-Linked Classification Criteria (2023). Collection method: clinical testing. Allele origin: unknown.
Comment: This variant is considered benign. This variant is a silent/synonymous amino acid change and it is not expected to impact splicing.

All of Us Research Program, National Institutes of Health
Classification: Likely benign for Lynch syndrome. Last evaluated: 2023-10-02. Review status: criteria provided, single submitter. Criteria: ACMG Guidelines, 2015. Collection method: clinical testing. Allele origin: germline. Inheritance: Autosomal dominant inheritance. Observed: 6 variant alleles, 6 heterozygotes.
Comment: This study involves interpretation of variants in research participants for the purpose of population health screening. Participant phenotype was not available at the time of variant classification. Additional details can be found in publication PMID: 35346344, PMCID: PMC8962531

Quest Diagnostics Nichols Institute San Juan Capistrano
Classification: Likely benign. Last evaluated: 2023-01-30. Review status: criteria provided, single submitter. Criteria: Quest Diagnostics criteria. Collection method: clinical testing. Allele origin: unknown.

Color Diagnostics, LLC DBA Color Health
Classification: Likely benign for Hereditary cancer-predisposing syndrome. Last evaluated: 2017-11-01. Review status: criteria provided, single submitter. Criteria: ACMG Guidelines, 2015. Collection method: clinical testing. Allele origin: germline.

GeneDx
Classification: Likely benign. Last evaluated: 2017-02-09. Review status: criteria provided, single submitter. Criteria: GeneDx Variant Classification (06012015). Collection method: clinical testing. Allele origin: germline. Affected: yes.
Comment: This variant is considered likely benign or benign based on one or more of the following criteria: it is a conservative change, it occurs at a poorly conserved position in the protein, it is predicted to be benign by multiple in silico algorithms, and/or has population frequency not consistent with disease.

Ambry Genetics
Classification: Likely benign for Hereditary cancer-predisposing syndrome. Last evaluated: 2015-11-27. Review status: criteria provided, single submitter. Criteria: Ambry Variant Classification Scheme 2023. Collection method: clinical testing. Allele origin: germline.